The following is an entry in ClinVar:

ClinVar aggregate classification (germline): Uncertain significance (1 of 4 stars; one submission).

Allele frequency attached by ClinVar (database versions not stated): gnomAD exomes below 0.00001; TOPMed below 0.00001.
gnomAD v4.1: 1 of 1,614,102 alleles (0.000062%); highest among the groups gnomAD compares: Non-Finnish European, 0.000085%; no homozygotes.

Submission:

Labcorp Genetics (formerly Invitae), Labcorp
Classification: Uncertain significance. Last evaluated: 2023-05-22. Review status: criteria provided, single submitter. Criteria: Invitae Variant Classification Sherloc (09022015). Collection method: clinical testing. Allele origin: germline.
Comment: In summary, the available evidence is currently insufficient to determine the role of this variant in disease. Therefore, it has been classified as a Variant of Uncertain Significance. Advanced modeling of protein sequence and biophysical properties (such as structural, functional, and spatial information, amino acid conservation, physicochemical variation, residue mobility, and thermodynamic stability) performed at Invitae indicates that this missense variant is not expected to disrupt WFS1 protein function. This variant has not been reported in the literature in individuals affected with WFS1-related conditions. This variant is not present in population databases (gnomAD no frequency). This sequence change replaces serine, which is neutral and polar, with arginine, which is basic and polar, at codon 617 of the WFS1 protein (p.Ser617Arg).

NM_006005.3(WFS1):c.1851C>A (p.Ser617Arg)

Gene: WFS1 (wolframin ER transmembrane glycoprotein; plus strand). Cytogenetic location: 4p16.1.
Variant type: single nucleotide variant.
Coding change: c.1851C>A on transcript NM_006005.3 (MANE Select); coding-DNA position 1851, C replaced by A.
Protein change: p.Ser617Arg; replaces serine 617 with arginine.
Molecular consequence: missense variant.
Genome position (GRCh38, 1-based): chr4:6,301,646, C>A. VCF-style: chr4-6301646-C-A. GRCh37 (hg19) VCF-style: chr4-6303373-C-A.
Other names: c.1851C>A, p.Ser617Arg (NM_001145853.1); short protein forms S617R.
Identifiers: ClinVar variation 2856819 (VCV002856819.3), dbSNP rs1268799694, ClinGen allele CA356176962.